The following is an entry in ClinVar:

NM_000051.4(ATM):c.7927+4del

Genes: ATM (ATM serine/threonine kinase; plus strand), C11orf65 (chromosome 11 open reading frame 65; minus strand). Cytogenetic location: 11q22.3.
Variant type: Deletion.
Coding change: c.7927+4del on transcript NM_000051.4 (MANE Select); 4 bases into the intron after coding-DNA position 7927, one base deleted (T; older notation c.7927+4delT).
Molecular consequence: intron variant.
Genome position (GRCh38, 1-based): chr11:108,332,904, T deleted. VCF-style (leftmost placement, unchanged base first): chr11-108332903-AT-A. GRCh37 (hg19) VCF-style: chr11-108203630-AT-A.
Other names: c.7927+4del (NM_001351834.2); c.641-23833del (NM_001330368.2); c.*38+2316del (NM_001351110.2).
Identifiers: ClinVar variation 933887 (VCV000933887.10), dbSNP rs2086433771, ClinGen allele CA1139662185.
Genomic context (GRCh38, chr11:108,332,903, plus strand): 5'-TGTGATGCTTATATTATATTAGCAAACTTAGATGCCACTCAGTGGAAGACTCAGAGAAGT[AT>A]GTTTTTTTTAAAGAAGAAACGTTACTTTCTTGCTGTGTTACTCTCTGTAGAGATATATTA-3'

ClinVar aggregate classification (germline): Uncertain significance (1 of 4 stars; one submission).

Conditions:
Ataxia-telangiectasia syndrome (AT). Also called: Ataxia-telangiectasia, complementation group D; AT, COMPLEMENTATION GROUP C; ATAXIA-TELANGIECTASIA, COMPLEMENTATION GROUP A; ATAXIA-TELANGIECTASIA, FRESNO VARIANT; Ataxia-telangiectasia; Ataxia telangiectasia (A-T). Identifiers: Orphanet 100, MedGen C0004135, MONDO:0008840, OMIM 208900.

Submission:

Labcorp Genetics (formerly Invitae), Labcorp
Classification: Uncertain significance for Ataxia-telangiectasia syndrome. Last evaluated: 2019-06-02. Review status: criteria provided, single submitter. Criteria: Invitae Variant Classification Sherloc (09022015). Collection method: clinical testing. Allele origin: germline.
Comment: In summary, the available evidence is currently insufficient to determine the role of this variant in disease. Therefore, it has been classified as a Variant of Uncertain Significance. Nucleotide substitutions within the consensus splice site are a relatively common cause of aberrant splicing (PMID: 17576681, 9536098). Algorithms developed to predict the effect of sequence changes on RNA splicing suggest that this variant may disrupt the consensus splice site, but this prediction has not been confirmed by published transcriptional studies. This variant has not been reported in the literature in individuals with ATM-related conditions. This variant is not present in population databases (ExAC no frequency). This sequence change falls in intron 53 of the ATM gene. It does not directly change the encoded amino acid sequence of the ATM protein, but it affects a nucleotide within the consensus splice site of the intron.

Literature cited by the submitters: PubMed 17576681; PubMed 9536098.